The following is an entry in ClinVar:

ClinVar aggregate classification (germline): Uncertain significance (1 of 4 stars; one submission).

gnomAD v4.1: 2 of 1,576,674 alleles (0.00013%); highest among the groups gnomAD compares: Non-Finnish European, 0.00017%; no homozygotes.

Submission:

GeneDx
Classification: Uncertain significance. Last evaluated: 2024-08-01. Review status: criteria provided, single submitter. Criteria: GeneDx Variant Classification Process June 2021. Collection method: clinical testing. Allele origin: germline. Affected: yes.
Comment: Not observed at significant frequency in large population cohorts (gnomAD); In silico analysis indicates that this missense variant does not alter protein structure/function; Has not been previously published as pathogenic or benign to our knowledge

NM_001378609.3(OTOGL):c.160G>A (p.Ala54Thr)

Gene: OTOGL (otogelin like; plus strand). Cytogenetic location: 12q21.31.
Variant type: single nucleotide variant.
Coding change: c.160G>A on transcript NM_001378609.3 (MANE Select); coding-DNA position 160, G replaced by A.
Protein change: p.Ala54Thr; replaces alanine 54 with threonine.
Molecular consequence: missense variant.
Genome position (GRCh38, 1-based): chr12:80,211,989, G>A. VCF-style: chr12-80211989-G-A. GRCh37 (hg19) VCF-style: chr12-80605769-G-A.
Other names: c.160G>A, p.Ala54Thr (NM_001368062.3, NM_001378610.3, NM_173591.7); short protein forms A54T.
Identifiers: ClinVar variation 3602408 (VCV003602408.1).